The following is an entry in ClinVar:

ClinVar aggregate classification (germline): Conflicting classifications of pathogenicity. Review status: criteria provided, conflicting classifications (1 of 4 stars). 3 submissions from 3 submitters: Likely pathogenic (1); Uncertain significance (2). Last evaluated 2026-10-01.

Conditions:
Tyrosinemia type I (TYRSN1). Also called: HEPATORENAL TYROSINEMIA; FAH DEFICIENCY; Tyrosinemia type 1; Fumarylacetoacetase deficiency; Deficiency of fumarylacetoacetase. Identifiers: Orphanet 882, MedGen C0268490, MONDO:0010161, OMIM 276700. Disease mechanism: loss of function.

Submissions (3):

Laboratorio de Biologia Molecular - Genetica, Hospital de Pediatria Garrahan
Classification: Likely pathogenic for Tyrosinemia type I. Last evaluated: 2026-10-01. Review status: criteria provided, single submitter. Criteria: ACMG Guidelines, 2015. Collection method: clinical testing. Allele origin: germline. Affected: yes. Observed: 3 variant alleles.
Comment: This sequence change replaces asparagine, which is neutral and polar, with lysine, which is basic and polar, at codon 232 of the FAH protein (p.Asn232Lys). This variant is present in population databases at an extremely low frequency (gnomAD <0.001%) (PM2_supporting). ClinVar contains an entry for this variant (VCV000167053.7). A different change affecting the same nucleotide has been classified as pathogenic: at least one publication reports experimental evidence that this variant affects mRNA splicing, resulting in skipping of exon 8 (PMID: 8557261) (PS1). c.696C>A variant is predicted to be deleterious by computational evidence, with a SpliceAI score of 0.28 (PP3). This variant has been detected in a homozygous state in three Argentinean patients (internal data) (PM3). For these reasons, this variant has been classified as Likely pathogenic.

3billion
Classification: Uncertain significance for Tyrosinemia type I. Last evaluated: 2022-09-01. Review status: criteria provided, single submitter. Criteria: ACMG Guidelines, 2015. Collection method: clinical testing. Allele origin: germline. Affected: yes. Observed: 1 heterozygote.
Comment: The variant is observed at an extremely low frequency in the gnomAD v2.1.1 dataset (total allele frequency: <0.001%). In silico tool predictions suggest damaging effect of the variant on gene or gene product (REVEL: 0.84; 3Cnet: 0.96). Same nucleotide change resulting in same amino acid change has been previously reported to be associated with FAH-related disorder (PMID: 23430822). However, the evidence of pathogenicity is insufficient at this time. Therefore, this variant is classified as uncertain significance according to the recommendation of ACMG/AMP guideline.

Eurofins Ntd Llc (ga)
Classification: Uncertain significance. Last evaluated: 2014-04-21. Review status: criteria provided, single submitter. Criteria: EGL Classification Definitions 2015. Collection method: clinical testing. Allele origin: germline. Observed: 1 variant allele, 1 homozygote.

Literature cited by the submitters: PubMed 8557261 (cited by Laboratorio de Biologia Molecular - Genetica, Hospital de Pediatria Garrahan); PubMed 23430822 (cited by 3billion).

NM_000137.4(FAH):c.696C>A (p.Asn232Lys)

Gene: FAH (fumarylacetoacetate hydrolase; plus strand). Cytogenetic location: 15q25.1.
Variant type: single nucleotide variant.
Coding change: c.696C>A on transcript NM_000137.4 (MANE Select); coding-DNA position 696, C replaced by A.
Protein change: p.Asn232Lys; replaces asparagine 232 with lysine.
Molecular consequence: missense variant.
Genome position (GRCh38, 1-based): chr15:80,172,238, C>A. VCF-style: chr15-80172238-C-A. GRCh37 (hg19) VCF-style: chr15-80464580-C-A.
Other names: c.696C>A, p.Asn232Lys (NM_001374377.1, NM_001374380.1); short protein forms N232K.
Identifiers: ClinVar variation 167053 (VCV000167053.8), dbSNP rs533540262, ClinGen allele CA233967.